The following is an entry in ClinVar:

NM_002087.4(GRN):c.329G>A (p.Arg110Gln)

Gene: GRN (granulin precursor; plus strand). Cytogenetic location: 17q21.31.
Variant type: single nucleotide variant.
Coding change: c.329G>A on transcript NM_002087.4 (MANE Select); coding-DNA position 329, G replaced by A.
Protein change: p.Arg110Gln; replaces arginine 110 with glutamine.
Molecular consequence: missense variant.
Genome position (GRCh38, 1-based): chr17:44,349,731, G>A. VCF-style: chr17-44349731-G-A. GRCh37 (hg19) VCF-style: chr17-42427099-G-A.
Other names: short protein forms R110Q.
Identifiers: ClinVar variation 589177 (VCV000589177.10), dbSNP rs375439809, ClinGen allele CA8601839.

ClinVar aggregate classification (germline): Conflicting classifications of pathogenicity. Review status: criteria provided, conflicting classifications (1 of 4 stars). 2 submissions from 2 submitters: Uncertain significance (1); Likely benign (1). Last evaluated 2025-11-03.

Conditions:
Inborn genetic diseases. Identifiers: MedGen C0950123, MeSH D030342.
Neuronal ceroid lipofuscinosis 11. Also called: GRN-Related Neuronal Ceroid-Lipofuscinosis. Identifiers: Orphanet 314629, Orphanet 79262, MedGen C3539123, MONDO:0013866, OMIM 614706.
GRN-related frontotemporal lobar degeneration with Tdp43 inclusions (FTD2). Also called: GRN Frontotemporal Dementia; FRONTOTEMPORAL DEMENTIA WITH TDP43 INCLUSIONS, GRN-RELATED; DEMENTIA, HEREDITARY DYSPHASIC DISINHIBITION; FRONTOTEMPORAL LOBAR DEGENERATION WITH UBIQUITIN-POSITIVE INCLUSIONS; FTLD-TDP, GRN-RELATED. Identifiers: Orphanet 100070, Orphanet 282, MedGen C1843792, MONDO:0011842, OMIM 607485. Disease mechanism: loss of function.

Allele frequency attached by ClinVar (database versions not stated): gnomAD exomes 0.00006 and 0.00009; ESP Exome Variant Server 0.00008; ExAC 0.00009; gnomAD 0.00009; TOPMed 0.00013; 1000 Genomes Project 30x 0.00016; 1000 Genomes Project 0.00020.

Submissions (2):

Labcorp Genetics (formerly Invitae), Labcorp
Classification: Uncertain significance for Neuronal ceroid lipofuscinosis 11; GRN-related frontotemporal lobar degeneration with Tdp43 inclusions. Last evaluated: 2025-11-03. Review status: criteria provided, single submitter. Criteria: Invitae Variant Classification Sherloc (09022015). Collection method: clinical testing. Allele origin: germline.
Comment: This sequence change replaces arginine, which is basic and polar, with glutamine, which is neutral and polar, at codon 110 of the GRN protein (p.Arg110Gln). This variant is present in population databases (rs375439809, gnomAD 0.03%). This missense change has been observed in individual(s) with clinical features of frontotemporal dementia or amyotrophic lateral sclerosis (PMID: 18184915, 29525180, 30279455, 32028661). ClinVar contains an entry for this variant (Variation ID: 589177). An algorithm developed to predict the effect of missense changes on protein structure and function outputs the following: PolyPhen-2: "Benign". The glutamine amino acid residue is found in multiple mammalian species, which suggests that this missense change does not adversely affect protein function. In summary, the available evidence is currently insufficient to determine the role of this variant in disease. Therefore, it has been classified as a Variant of Uncertain Significance.

Ambry Genetics
Classification: Likely benign for Inborn genetic diseases. Last evaluated: 2022-07-08. Review status: criteria provided, single submitter. Criteria: Ambry Variant Classification Scheme 2023. Collection method: clinical testing. Allele origin: germline.

Literature cited by the submitters: PubMed 18184915 (cited by Labcorp Genetics (formerly Invitae), Labcorp); PubMed 29525180 (cited by Labcorp Genetics (formerly Invitae), Labcorp); PubMed 30279455 (cited by Labcorp Genetics (formerly Invitae), Labcorp); PubMed 32028661 (cited by Labcorp Genetics (formerly Invitae), Labcorp).